The following is an entry in ClinVar:

NM_001672.3(ASIP):c.265C>A (p.Leu89Ile)

Genes: AHCY (adenosylhomocysteinase; minus strand), ASIP (agouti signaling protein; plus strand). Cytogenetic location: 20q11.22.
Variant type: single nucleotide variant.
Coding change: c.265C>A on transcript NM_001672.3 (MANE Select); coding-DNA position 265, C replaced by A.
Protein change: p.Leu89Ile; replaces leucine 89 with isoleucine.
Molecular consequence: missense variant.
Genome position (GRCh38, 1-based): chr20:34,269,033, C>A. VCF-style: chr20-34269033-C-A. GRCh37 (hg19) VCF-style: chr20-32856839-C-A.
Other names: c.265C>A, p.Leu89Ile (NM_001385218.1); short protein forms L89I.
Identifiers: ClinVar variation 4981389 (VCV004981389.1).

ClinVar aggregate classification (germline): Uncertain significance (1 of 4 stars; one submission).

Conditions:
ASIP-related condition.

gnomAD v4.1: 41 of 1,607,478 alleles (0.0026%); highest among the groups gnomAD compares: East Asian, 0.085%; no homozygotes.

Submission:

PreventionGenetics, part of Exact Sciences
Classification: Uncertain significance for ASIP-related condition. Last evaluated: 2025-08-11. Review status: criteria provided, single submitter. Criteria: ACMG Guidelines, 2015. Collection method: clinical testing. Allele origin: germline.
Comment: The ASIP c.265C>A variant is predicted to result in the amino acid substitution p.Leu89Ile. To our knowledge, this variant has not been reported in the literature. This variant is reported in 0.12% of alleles in individuals of East Asian descent in gnomAD. At this time, the clinical significance of this variant is uncertain due to the absence of conclusive functional and genetic evidence.